The following is an entry in ClinVar:

ClinVar aggregate classification (germline): Pathogenic (1 of 4 stars; one submission).

Conditions:
Fanconi anemia complementation group A (FANCA). Also called: FANCA-Related Fanconi Anemia; Fanconi anemia, group A. Identifiers: Orphanet 84, MedGen C3469521, MONDO:0009215, OMIM 227650.

Submission:

Myriad Genetics, Inc.
Classification: Pathogenic for Fanconi anemia complementation group A. Last evaluated: 2025-12-31. Review status: criteria provided, single submitter. Criteria: Myriad Autosomal Dominant, Autosomal Recessive and X-Linked Classification Criteria (2023). Collection method: clinical testing. Allele origin: unknown.
Comment: NM_000135.2(FANCA):c.975_978delTCAG(Q326Yfs*8) is a frameshift variant classified as pathogenic in the context of Fanconi anemia complementation group A. Q326Yfs*8 has not been observed in cases with relevant disease. Relevant functional assessments of this variant are not available in the literature. Q326Yfs*8 has not been observed in referenced population frequency databases. In summary, NM_000135.2(FANCA):c.975_978delTCAG(Q326Yfs*8) is a frameshift variant in a gene where loss of function is a known mechanism of disease and is predicted to disrupt protein function. Please note: this variant was assessed in the context of healthy population screening.

NM_000135.4(FANCA):c.975_978del (p.Gln326fs)

Gene: FANCA (FA complementation group A; minus strand). Cytogenetic location: 16q24.3.
Variant type: Deletion.
Coding change: c.975_978del on transcript NM_000135.4 (MANE Select); coding-DNA positions 975 to 978, 4 bases deleted (TCAG; older notation c.975_978delTCAG).
Protein change: p.Gln326fs; shifts the reading frame from glutamine 326.
Molecular consequence: frameshift variant.
Genome position (GRCh38, 1-based): chr16:89,795,934-89,795,937, CTGA deleted on the plus strand (TCAG on the coding strand, the reverse complement: FANCA is on the minus strand). VCF-style (leftmost placement, unchanged base first): chr16-89795933-TCTGA-T. GRCh37 (hg19) VCF-style: chr16-89862341-TCTGA-T.
Other names: c.975_978del, p.Gln326fs (NM_001286167.3); short protein forms Q326fs.
Identifiers: ClinVar variation 5004360 (VCV005004360.1).